The following is an entry in ClinVar:

ClinVar aggregate classification (germline): Pathogenic (1 of 4 stars; one submission).

Conditions:
Neuronal ceroid lipofuscinosis 8 (CLN8). Also called: CLN8-Related Neuronal Ceroid-Lipofuscinosis. Identifiers: Orphanet 168491, Orphanet 228354, Orphanet 79264, MedGen C1838570, MONDO:0010830, OMIM 600143.

Submission:

Human Genome Lab, NIMHANS, National Institute of Mental Health and Neuro Sciences
Classification: Pathogenic for Neuronal ceroid lipofuscinosis 8. Last evaluated: 2023-10-05. Review status: criteria provided, single submitter. Criteria: ACMG Guidelines, 2015. Collection method: clinical testing. Allele origin: germline. Inheritance: Autosomal recessive inheritance. Affected: yes. Observed: 1 homozygote.
Comment: The stop gained variant NM_018941.4:c.447C>A has not been reported previously as a pathogenic variant nor as a benign variant, to our knowledge. The NP_061764.2:p.Cys149Ter variant is novel (not in any individuals) in 1000 Genomes, in gnomAD as well as in our inhouse database. This variant is predicted to cause loss of normal protein function through protein truncation. This variant is a stop gained variant which occurs in an exon of CLN8 upstream of where nonsense mediated decay is predicted to occur. There are 17 downstream pathogenic loss of function variants, with the furthest variant being 114 residues downstream of this variant. This indicates that the region is critical to protein function. The p.Cys149Ter variant is a loss of function variant in the gene CLN8, which is intolerant of Loss of Function variants, as indicated by the presence of existing pathogenic loss of function variant NP_061764.2:p.S10* and 15 others. In addition, the patient's phenotype matches to that of the disorder caused by pathogenic variants in CLN8 gene. For these reasons, this variant has been classified as Pathogenic (PM2 PVS1 PP4_Strong).

NM_018941.4(CLN8):c.447C>A (p.Cys149Ter)

Gene: CLN8 (CLN8 transmembrane ER and ERGIC protein; plus strand). Cytogenetic location: 8p23.3.
Variant type: single nucleotide variant.
Coding change: c.447C>A on transcript NM_018941.4 (MANE Select); coding-DNA position 447, C replaced by A.
Protein change: p.Cys149Ter; replaces cysteine 149 with a stop codon.
Molecular consequence: nonsense.
Genome position (GRCh38, 1-based): chr8:1,771,501, C>A. VCF-style: chr8-1771501-C-A. GRCh37 (hg19) VCF-style: chr8-1719667-C-A.
Other names: short protein forms C149*.
Identifiers: ClinVar variation 2627378 (VCV002627378.2), dbSNP rs758707781, ClinGen allele CA369953587.